The following is an entry in ClinVar:

ClinVar aggregate classification (germline): Pathogenic. Review status: criteria provided, single submitter (1 of 4 stars). 2 submissions from 2 submitters: Pathogenic (1). 1 of the submissions does not count toward it. Last evaluated 2023-08-16.

Conditions:
Muscular dystrophy, limb-girdle, autosomal recessive 23. Identifiers: Orphanet 565837, MedGen C4748327, MONDO:0029136, OMIM 618138.
LAMA2-related muscular dystrophy (LAMA2-RD). Also called: Laminin alpha 2-related dystrophy. Identifiers: MedGen C5679788, MONDO:0100228.

Allele frequency attached by ClinVar (database versions not stated): gnomAD exomes 0.00001.
gnomAD v4.1: 6 of 1,502,174 alleles (0.0004%); highest among the groups gnomAD compares: Non-Finnish European, 0.00056%; no homozygotes.

Submissions (2):

Labcorp Genetics (formerly Invitae), Labcorp
Classification: Pathogenic for LAMA2-related muscular dystrophy. Last evaluated: 2023-08-16. Review status: criteria provided, single submitter. Criteria: Invitae Variant Classification Sherloc (09022015). Collection method: clinical testing. Allele origin: germline.
Comment: For these reasons, this variant has been classified as Pathogenic. ClinVar contains an entry for this variant (Variation ID: 585013). This premature translational stop signal has been observed in individual(s) with clinical features of LAMA2-related conditions (PMID: 20207543, 24957499). This variant is not present in population databases (gnomAD no frequency). This sequence change creates a premature translational stop signal (p.Gln131*) in the LAMA2 gene. It is expected to result in an absent or disrupted protein product. Loss-of-function variants in LAMA2 are known to be pathogenic (PMID: 18700894, 32904964).

OMIM
Classification: Pathogenic for MUSCULAR DYSTROPHY, LIMB-GIRDLE, AUTOSOMAL RECESSIVE 23. Last evaluated: 2018-10-05. Review status: no assertion criteria provided. Collection method: literature only. Allele origin: germline. Not counted in ClinVar's aggregate classification.

Literature cited by the submitters: PubMed 20207543 (cited by Labcorp Genetics (formerly Invitae), Labcorp); PubMed 24957499 (cited by Labcorp Genetics (formerly Invitae), Labcorp and OMIM); PubMed 18700894 (cited by Labcorp Genetics (formerly Invitae), Labcorp); PubMed 32904964 (cited by Labcorp Genetics (formerly Invitae), Labcorp).

NM_000426.4(LAMA2):c.391C>T (p.Gln131Ter)

Gene: LAMA2 (laminin subunit alpha 2; plus strand). Cytogenetic location: 6q22.33.
Variant type: single nucleotide variant.
Coding change: c.391C>T on transcript NM_000426.4 (MANE Select); coding-DNA position 391, C replaced by T.
Protein change: p.Gln131Ter; replaces glutamine 131 with a stop codon.
Molecular consequence: nonsense.
Genome position (GRCh38, 1-based): chr6:129,059,891, C>T. VCF-style: chr6-129059891-C-T. GRCh37 (hg19) VCF-style: chr6-129381036-C-T.
Other names: c.391C>T, p.Gln131Ter (NM_001079823.2); short protein forms Q131*.
Identifiers: ClinVar variation 585013 (VCV000585013.9), dbSNP rs1562200866, ClinGen allele CA365829009.